The following is an entry in ClinVar:

ClinVar aggregate classification (germline): Likely benign (1 of 4 stars; one submission).

Submission:

CeGaT Center for Human Genetics Tuebingen
Classification: Likely benign. Last evaluated: 2025-10-01. Review status: criteria provided, single submitter. Criteria: CeGaT Center For Human Genetics Tuebingen Variant Classification Criteria Version 2. Collection method: clinical testing. Allele origin: germline. Affected: yes. Observed: 1 variant allele.
Comment: IWS1: PM2:Supporting, BP4, BP7

NM_017969.3(IWS1):c.789A>T (p.Ser263=)

Gene: IWS1 (interacts with SUPT6H, CTD assembly factor 1; minus strand). Cytogenetic location: 2q14.3.
Variant type: single nucleotide variant.
Coding change: c.789A>T on transcript NM_017969.3 (MANE Select); coding-DNA position 789, A replaced by T.
Protein change: p.Ser263=; no amino-acid change (serine 263 retained).
Molecular consequence: synonymous variant.
Genome position (GRCh38, 1-based): chr2:127,505,114, T>A on the plus strand (A>T on the coding strand, the complement: IWS1 is on the minus strand). VCF-style: chr2-127505114-T-A. GRCh37 (hg19) VCF-style: chr2-128262690-T-A.
Other names: c.789A>T, p.Ser263= (NM_001410923.1).
Identifiers: ClinVar variation 4533819 (VCV004533819.6).